The following is an entry in ClinVar:

ClinVar aggregate classification (germline): Uncertain significance (1 of 4 stars; one submission).

Conditions:
Autosomal dominant childhood-onset proximal spinal muscular atrophy with contractures (SMALED2A). Also called: Spinal muscular atrophy, lower extremity-predominant, 2A, autosomal dominant; SPINAL MUSCULAR ATROPHY, LOWER EXTREMITY-PREDOMINANT, 2A, CHILDHOOD ONSET, AUTOSOMAL DOMINANT. Identifiers: Orphanet 363447, Orphanet 363454, MedGen C4747715, MONDO:0014121, OMIM 615290.

Submission:

Labcorp Genetics (formerly Invitae), Labcorp
Classification: Uncertain significance for Autosomal dominant childhood-onset proximal spinal muscular atrophy with contractures. Last evaluated: 2020-08-21. Review status: criteria provided, single submitter. Criteria: Invitae Variant Classification Sherloc (09022015). Collection method: clinical testing. Allele origin: germline.
Comment: This sequence change replaces methionine with isoleucine at codon 75 of the BICD2 protein (p.Met75Ile). The methionine residue is moderately conserved and there is a small physicochemical difference between methionine and isoleucine. This variant is not present in population databases (ExAC no frequency). This variant has not been reported in the literature in individuals with BICD2-related conditions. Advanced modeling of protein sequence and biophysical properties (such as structural, functional, and spatial information, amino acid conservation, physicochemical variation, residue mobility, and thermodynamic stability) performed at Invitae indicates that this missense variant is not expected to disrupt BICD2 protein function. In summary, the available evidence is currently insufficient to determine the role of this variant in disease. Therefore, it has been classified as a Variant of Uncertain Significance.

NM_001003800.2(BICD2):c.225G>T (p.Met75Ile)

Gene: BICD2 (BICD cargo adaptor 2; minus strand). Cytogenetic location: 9q22.31.
Variant type: single nucleotide variant.
Coding change: c.225G>T on transcript NM_001003800.2 (MANE Select); coding-DNA position 225, G replaced by T.
Protein change: p.Met75Ile; replaces methionine 75 with isoleucine.
Molecular consequence: missense variant.
Genome position (GRCh38, 1-based): chr9:92,764,520, C>A on the plus strand (G>T on the coding strand, the complement: BICD2 is on the minus strand). VCF-style: chr9-92764520-C-A. GRCh37 (hg19) VCF-style: chr9-95526802-C-A.
Other names: c.225G>T, p.Met75Ile (NM_015250.4); short protein forms M75I.
Identifiers: ClinVar variation 1022819 (VCV001022819.9), dbSNP rs1854440556, ClinGen allele CA374031851.